The following is an entry in ClinVar:

NM_145868.2(ANXA11):c.649G>A (p.Gly217Arg)

Gene: ANXA11 (annexin A11; minus strand). Cytogenetic location: 10q22.3.
Variant type: single nucleotide variant.
Coding change: c.649G>A on transcript NM_145868.2 (MANE Select); coding-DNA position 649, G replaced by A.
Protein change: p.Gly217Arg; replaces glycine 217 with arginine.
Molecular consequence: missense variant.
Genome position (GRCh38, 1-based): chr10:80,167,226, C>T on the plus strand (G>A on the coding strand, the complement: ANXA11 is on the minus strand). VCF-style: chr10-80167226-C-T. GRCh37 (hg19) VCF-style: chr10-81926982-C-T.
Other names: c.649G>A, p.Gly217Arg (NM_001157.3, NM_001278407.2, NM_001278408.2 and 1 more transcripts); c.550G>A, p.Gly184Arg (NM_001278409.2); short protein forms G184R, G217R.
Identifiers: ClinVar variation 1473758 (VCV001473758.6), dbSNP rs756583251, ClinGen allele CA5576215.

ClinVar aggregate classification (germline): Uncertain significance (1 of 4 stars; one submission).

Allele frequency attached by ClinVar (database versions not stated): gnomAD 0.00001; gnomAD exomes 0.00001.

Submission:

Labcorp Genetics (formerly Invitae), Labcorp
Classification: Uncertain significance. Last evaluated: 2021-09-14. Review status: criteria provided, single submitter. Criteria: Invitae Variant Classification Sherloc (09022015). Collection method: clinical testing. Allele origin: germline.
Comment: In summary, the available evidence is currently insufficient to determine the role of this variant in disease. Therefore, it has been classified as a Variant of Uncertain Significance. Variants that disrupt the consensus splice site are a relatively common cause of aberrant splicing (PMID: 17576681, 9536098). Algorithms developed to predict the effect of sequence changes on RNA splicing suggest that this variant may disrupt the consensus splice site. Algorithms developed to predict the effect of missense changes on protein structure and function are either unavailable or do not agree on the potential impact of this missense change (SIFT: "Deleterious"; PolyPhen-2: "Probably Damaging"; Align-GVGD: "Class C0"). This variant has not been reported in the literature in individuals affected with ANXA11-related conditions. This variant is present in population databases (rs756583251, ExAC 0.01%). This sequence change replaces glycine with arginine at codon 217 of the ANXA11 protein (p.Gly217Arg). The glycine residue is highly conserved and there is a moderate physicochemical difference between glycine and arginine. This variant also falls at the last nucleotide of exon 5, which is part of the consensus splice site for this exon.

Literature cited by the submitters: PubMed 17576681; PubMed 9536098.